The following is an entry in ClinVar:

ClinVar aggregate classification (germline): Conflicting classifications of pathogenicity. Review status: criteria provided, conflicting classifications (1 of 4 stars). 2 submissions from 2 submitters: Uncertain significance (1); Likely benign (1). Last evaluated 2025-10-02.

Conditions:
Early Myoclonic Encephalopathy. Identifiers: MedGen C0270855.

Allele frequency attached by ClinVar (database versions not stated): gnomAD 0.00003; gnomAD exomes 0.00003 and 0.00004; ExAC 0.00003; TOPMed 0.00004; ESP Exome Variant Server 0.00008.
gnomAD v4.1: 43 of 1,605,266 alleles (0.0027%); highest among the groups gnomAD compares: Admixed American, 0.0083%; no homozygotes.

Submissions (2):

Labcorp Genetics (formerly Invitae), Labcorp
Classification: Uncertain significance for Early Myoclonic Encephalopathy. Last evaluated: 2025-10-02. Review status: criteria provided, single submitter. Criteria: Invitae Variant Classification Sherloc (09022015). Collection method: clinical testing. Allele origin: germline.
Comment: This sequence change falls in intron 15 of the JMJD1C gene. It does not directly change the encoded amino acid sequence of the JMJD1C protein. It affects a nucleotide within the consensus splice site. This variant is present in population databases (rs372628812, gnomAD 0.009%). This variant has not been reported in the literature in individuals affected with JMJD1C-related conditions. ClinVar contains an entry for this variant (Variation ID: 641465). Variants that disrupt the consensus splice site are a relatively common cause of aberrant splicing (PMID: 17576681, 9536098). Algorithms developed to predict the effect of sequence changes on RNA splicing suggest that this variant is not likely to affect RNA splicing. In summary, the available evidence is currently insufficient to determine the role of this variant in disease. Therefore, it has been classified as a Variant of Uncertain Significance.

Laboratory of Genetics, Children's Clinical University Hospital Latvia
Classification: Likely benign. Last evaluated: 2025-02-16. Review status: criteria provided, single submitter. Criteria: ACMG Guidelines, 2015. Collection method: clinical testing. Allele origin: germline. Affected: yes.

Literature cited by the submitters: PubMed 17576681 (cited by Labcorp Genetics (formerly Invitae), Labcorp); PubMed 9536098 (cited by Labcorp Genetics (formerly Invitae), Labcorp).

NM_032776.3(JMJD1C):c.5863-3T>C

Gene: JMJD1C (jumonji domain containing 1C; minus strand). Cytogenetic location: 10q21.3.
Variant type: single nucleotide variant.
Coding change: c.5863-3T>C on transcript NM_032776.3 (MANE Select); 3 bases into the intron before coding-DNA position 5863, T replaced by C.
Molecular consequence: intron variant.
Genome position (GRCh38, 1-based): chr10:63,193,154, A>G on the plus strand (T>C on the coding strand, the complement: JMJD1C is on the minus strand). VCF-style: chr10-63193154-A-G. GRCh37 (hg19) VCF-style: chr10-64952914-A-G.
Other names: c.5206-3T>C (NM_001322258.2, NM_001322254.2); c.5317-3T>C (NM_001318154.2, NM_001282948.2); c.5749-3T>C (NM_001322252.2); c.4999-3T>C (NM_001318153.2).
Identifiers: ClinVar variation 641465 (VCV000641465.9), dbSNP rs372628812, ClinGen allele CA5518005.